The following is an entry in ClinVar:

ClinVar aggregate classification (germline): Conflicting classifications of pathogenicity. Review status: criteria provided, conflicting classifications (1 of 4 stars). 5 submissions from 5 submitters: Uncertain significance (1); Benign (3); Likely benign (1). Last evaluated 2025-12-09.

Conditions:
Hereditary cancer-predisposing syndrome. Also called: Tumor predisposition; Neoplastic Syndromes, Hereditary; Hereditary Cancer Syndrome; Hereditary neoplastic syndrome. Identifiers: Orphanet 140162, MedGen C0027672, MeSH D009386, MONDO:0015356.
Tuberous sclerosis syndrome (TSC). Also called: Tuberous Sclerosis Complex; Tuberous sclerosis. Identifiers: Orphanet 805, MedGen C0041341, MONDO:0001734.
Tuberous sclerosis 2 (TSC2). Identifiers: Orphanet 805, MedGen C1860707, MONDO:0013199, OMIM 613254.

Allele frequency attached by ClinVar (database versions not stated): ExAC 0.00001; gnomAD 0.00001 and 0.00004; gnomAD exomes 0.00002 and 0.00003; TOPMed 0.00003; 1000 Genomes Project 30x 0.00031; 1000 Genomes Project 0.00040.
gnomAD v4.1: 28 of 1,613,214 alleles (0.0017%); highest among the groups gnomAD compares: East Asian, 0.062%; no homozygotes.

Submissions (5):

Labcorp Genetics (formerly Invitae), Labcorp
Classification: Benign for Tuberous sclerosis 2. Last evaluated: 2025-12-09. Review status: criteria provided, single submitter. Criteria: Invitae Variant Classification Sherloc (09022015). Collection method: clinical testing. Allele origin: germline.

Color Diagnostics, LLC DBA Color Health
Classification: Benign for Tuberous sclerosis syndrome. Last evaluated: 2025-09-04. Review status: criteria provided, single submitter. Criteria: ACMG Guidelines, 2015. Collection method: clinical testing. Allele origin: germline.

Myriad Genetics, Inc.
Classification: Benign for Tuberous sclerosis 2. Last evaluated: 2024-09-09. Review status: criteria provided, single submitter. Criteria: Myriad Autosomal Dominant, Autosomal Recessive and X-Linked Classification Criteria (2023). Collection method: clinical testing. Allele origin: unknown.
Comment: This variant is considered benign. This variant is intronic and is not expected to impact mRNA splicing. This variant has been observed at a population frequency that is significantly greater than expected given the associated disease prevalence and penetrance.

All of Us Research Program, National Institutes of Health
Classification: Uncertain significance for Tuberous sclerosis syndrome. Last evaluated: 2023-12-18. Review status: criteria provided, single submitter. Criteria: ACMG Guidelines, 2015. Collection method: clinical testing. Allele origin: germline. Inheritance: Autosomal dominant inheritance. Observed: 3 variant alleles, 3 heterozygotes.
Comment: This variant causes a G to A nucleotide substitution at the +4 position of intron 3 of the TSC2 gene. To our knowledge, functional studies have not been reported for this variant. This variant has not been reported in individuals affected with TSC2-related disorders in the literature. This variant has been identified in 10/282056 chromosomes in the general population by the Genome Aggregation Database (gnomAD). The available evidence is insufficient to determine the role of this variant in disease conclusively. Therefore, this variant is classified as a Variant of Uncertain Significance.

This study involves interpretation of variants in research participants for the purpose of population health screening. Participant phenotype was not available at the time of variant classification. Additional details can be found in publication PMID: 35346344, PMCID: PMC8962531

Ambry Genetics
Classification: Likely benign for Hereditary cancer-predisposing syndrome. Last evaluated: 2020-01-27. Review status: criteria provided, single submitter. Criteria: Ambry Variant Classification Scheme 2023. Collection method: clinical testing. Allele origin: germline.

NM_000548.5(TSC2):c.225+4G>A

Gene: TSC2 (TSC complex subunit 2; plus strand). Cytogenetic location: 16p13.3.
Variant type: single nucleotide variant.
Coding change: c.225+4G>A on transcript NM_000548.5 (MANE Select); 4 bases into the intron after coding-DNA position 225, G replaced by A.
Molecular consequence: intron variant.
Genome position (GRCh38, 1-based): chr16:2,050,490, G>A. VCF-style: chr16-2050490-G-A. GRCh37 (hg19) VCF-style: chr16-2100491-G-A.
Other names: c.225+4G>A (NM_001114382.3, NM_021055.3, NM_001370405.1 and 4 more transcripts); c.-2+4G>A (NM_001318831.2); c.78+4G>A (NM_001318829.2); c.258+4G>A (NM_001318832.2).
Identifiers: ClinVar variation 406047 (VCV000406047.16), dbSNP rs201901739, ClinGen allele CA037914.